The following is an entry in ClinVar:

NR_003051.4(RMRP):n.6C>A

Gene: RMRP (RNA component of mitochondrial RNA processing endoribonuclease; minus strand). Cytogenetic location: 9p13.3.
Variant type: single nucleotide variant.
Genome position: GRCh38 VCF-style: chr9-35658014-G-T. GRCh37 (hg19) VCF-style: chr9-35658011-G-T.
Identifiers: ClinVar variation 933925 (VCV000933925.3), dbSNP rs772443941, ClinGen allele CA464451090.
Genomic context (GRCh38, chr9:35,658,014, plus strand): 5'-AGGCGGAAAGGGGAGGAACAGAGTCCTCAGTGTGTAGCCTAGGATACAGGCCTTCAGCAC[G>T]AACCACGTCCTCAGCTTCACAGAGTAGTATTTTATAGCCCTAAAGAAATTGTGTTTTATG-3'

ClinVar aggregate classification (germline): Uncertain significance. Review status: criteria provided, multiple submitters, no conflicts (2 of 4 stars). 2 submissions from 2 submitters: Uncertain significance (2). Last evaluated 2024-03-21.

Conditions:
Anauxetic dysplasia. Identifiers: Orphanet 93347, MedGen C1846796, MONDO:0011773.

Submissions (2):

Women's Health and Genetics/Laboratory Corporation of America, LabCorp
Classification: Uncertain significance. Last evaluated: 2024-03-21. Review status: criteria provided, single submitter. Criteria: LabCorp Variant Classification Summary - May 2015. Collection method: clinical testing. Allele origin: germline.
Comment: Variant summary: RMRP n.5C>A (also known as n.4C>A) alters a conserved nucleotide in the non-coding RNA sequence. The variant was absent in 687586 control chromosomes (gnomAD v4.0). The available data on variant occurrences in the general population are insufficient to allow any conclusion about variant significance. To our knowledge, no occurrence of n.5C>A in individuals affected with Cartilage-Hair Hypoplasia and no experimental evidence demonstrating its impact on protein function have been reported. However, a different variant affecting the same nucleotide, n.5C>T, has been reported in a patients affected with Cartilage-Hair hypoplasia, and been classified as Pathogenic by our lab (ClinVar variation ID 552477), supporting a structural importance for this nucleotide. ClinVar contains an entry for this variant (Variation ID: 933925). Based on the evidence outlined above, the variant was classified as uncertain significance.

Labcorp Genetics (formerly Invitae), Labcorp
Classification: Uncertain significance for Anauxetic dysplasia. Last evaluated: 2019-07-15. Review status: criteria provided, single submitter. Criteria: Invitae Variant Classification Sherloc (09022015). Collection method: clinical testing. Allele origin: germline.
Comment: This variant occurs in the RMRP gene, which encodes an RNA molecule that does not result in a protein product. The frequency data for this variant in the population databases is considered unreliable, as metrics indicate insufficient coverage at this position in the ExAC database. This variant has not been reported in the literature in individuals with RMRP-related conditions. Experimental studies and prediction algorithms are not available for this variant, and the functional significance of this non-coding change is currently unknown. This variant disrupts the n.5 nucleotide in the RMRP gene. Other variant(s) that disrupt this nucleotide have been determined to be pathogenic (PMID: 29744913, 16838329, 17015150, 16244706, 20375313, 25663137, 19626344, 25663137). This suggests that this nucleotide is clinically-significant, and that variants that disrupt this position are likely to be disease-causing. In summary, the available evidence is currently insufficient to determine the role of this variant in disease. Therefore, it has been classified as a Variant of Uncertain Significance.

Literature cited by the submitters: PubMed 19626344 (cited by Labcorp Genetics (formerly Invitae), Labcorp); PubMed 25663137 (cited by Labcorp Genetics (formerly Invitae), Labcorp); PubMed 16244706 (cited by Labcorp Genetics (formerly Invitae), Labcorp); PubMed 16838329 (cited by Labcorp Genetics (formerly Invitae), Labcorp); PubMed 20375313 (cited by Labcorp Genetics (formerly Invitae), Labcorp); PubMed 29744913 (cited by Labcorp Genetics (formerly Invitae), Labcorp); PubMed 17015150 (cited by Labcorp Genetics (formerly Invitae), Labcorp).